The following is an entry in ClinVar:

NM_001371623.1(TCOF1):c.645del (p.Lys215fs)

Gene: TCOF1 (treacle ribosome biogenesis factor 1; plus strand). Cytogenetic location: 5q32.
Variant type: Deletion.
Coding change: c.645del on transcript NM_001371623.1 (MANE Select); coding-DNA position 645, one base deleted (A; older notation c.645delA).
Protein change: p.Lys215fs; shifts the reading frame from lysine 215.
Molecular consequence: frameshift variant. On other transcripts: intron variant (2).
Genome position (GRCh38, 1-based): chr5:150,372,011, A deleted; the last of 3 consecutive A bases (chr5:150,372,009-150,372,011); deleting any one gives the same sequence. VCF-style (leftmost placement, unchanged base first): chr5-150372008-GA-G. GRCh37 (hg19) VCF-style: chr5-149751571-GA-G.
Other names: c.645del, p.Lys215fs (NM_001008657.3, NM_001135243.2, NM_001135244.2 and 1 more transcripts); c.640-2163del (NM_001135245.2, NM_000356.4); short protein forms K215fs.
Identifiers: ClinVar variation 1329860 (VCV001329860.7), dbSNP rs2150623353, ClinGen allele CA2573052462.

ClinVar aggregate classification (germline): Pathogenic. Review status: criteria provided, single submitter (1 of 4 stars). 2 submissions from 2 submitters: Pathogenic (1). 1 of the submissions does not count toward it. Last evaluated 2022-06-14.

Conditions:
Treacher Collins syndrome. Also called: TREACHER COLLINS-FRANCESCHETTI SYNDROME. Identifiers: Orphanet 861, MedGen C0242387, MONDO:0002457.
Treacher Collins syndrome 1 (TCS1). Also called: TCOF1-Related Treacher Collins Syndrome. Identifiers: Orphanet 861, MedGen CN315775, MONDO:0007944, OMIM 154500.

Submissions (2):

Labcorp Genetics (formerly Invitae), Labcorp
Classification: Pathogenic for Treacher Collins syndrome 1. Last evaluated: 2022-06-14. Review status: criteria provided, single submitter. Criteria: Invitae Variant Classification Sherloc (09022015). Collection method: clinical testing. Allele origin: germline.
Comment: For these reasons, this variant has been classified as Pathogenic. ClinVar contains an entry for this variant (Variation ID: 1329860). This variant has not been reported in the literature in individuals affected with TCOF1-related conditions. This variant is not present in population databases (gnomAD no frequency). This sequence change creates a premature translational stop signal (p.Lys215Asnfs*4) in the TCOF1 gene. It is expected to result in an absent or disrupted protein product. Loss-of-function variants in TCOF1 are known to be pathogenic (PMID: 8894686, 22317976).

Kasturba Medical College, Manipal, Kasturba Medical College, Manipal, Manipal Academy of Higher Education, Manipal, India
Classification: Pathogenic for Treacher Collins syndrome. Review status: no assertion criteria provided. Collection method: clinical testing. Allele origin: maternal. Inheritance: Autosomal dominant inheritance. Affected: yes. Observed: 1 heterozygote. Not counted in ClinVar's aggregate classification.

Literature cited by the submitters: PubMed 8894686 (cited by Labcorp Genetics (formerly Invitae), Labcorp); PubMed 22317976 (cited by Labcorp Genetics (formerly Invitae), Labcorp).